The following is an entry in ClinVar:

ClinVar aggregate classification (germline): not provided (0 of 4 stars; one submission).

Submission:

ITMI
No classification provided. Condition: AllHighlyPenetrant. Last evaluated: 2013-09-19. Review status: no classification provided. Collection method: reference population. Allele origin: germline.
Comment: Please see associated publication for description of ethnicities

Literature cited by the submitters: PubMed 24728327.

NM_003482.4(KMT2D):c.3993_3995del (p.Thr1332del)

Genes: KMT2D (lysine methyltransferase 2D; minus strand), LOC126861520 (CDK7 strongly-dependent group 2 enhancer GRCh37_chr12:49442744-49443943; plus strand). Cytogenetic location: 12q13.12.
Variant type: Deletion.
Coding change: c.3993_3995del on transcript NM_003482.4 (MANE Select); coding-DNA positions 3993 to 3995, 3 bases deleted (AAC; older notation c.3993_3995delAAC).
Protein change: p.Thr1332del; deletes threonine 1332.
Molecular consequence: inframe deletion.
Genome position (GRCh38, 1-based): chr12:49,049,130-49,049,132, GTT deleted on the plus strand (AAC on the coding strand, the reverse complement: KMT2D is on the minus strand); deleting any 3 consecutive bases within chr12:49,049,130-49,049,133 gives the same sequence; the c. name uses the placement nearest the transcript's 3' end. VCF-style (leftmost placement, unchanged base first): chr12-49049129-AGTT-A. GRCh37 (hg19) VCF-style: chr12-49442912-AGTT-A.
Other names: short protein forms T1332del.
Identifiers: ClinVar variation 134674 (VCV000134674.1), dbSNP rs587778456, ClinGen allele CA160513.